The following is an entry in ClinVar:

ClinVar aggregate classification (germline): Uncertain significance (1 of 4 stars; one submission).

gnomAD v4.1: 1 of 1,540,968 alleles (0.000065%); highest among the groups gnomAD compares: Non-Finnish European, 0.000089%; no homozygotes.

Submission:

Centre of Medical Genetics, University Hospital Muenster
Classification: Uncertain significance. Last evaluated: 2024-03-15. Review status: criteria provided, single submitter. Criteria: ACMG Guidelines, 2015. Collection method: clinical testing. Allele origin: unknown. Affected: yes. Observed: 1 variant allele, 1 heterozygote.
Comment: ACMG categories: PM2,PP3

NM_001080449.3(DNA2):c.935G>A (p.Ser312Asn)

Gene: DNA2 (DNA replication helicase/nuclease 2; minus strand). Cytogenetic location: 10q21.3.
Variant type: single nucleotide variant.
Coding change: c.935G>A on transcript NM_001080449.3 (MANE Select); coding-DNA position 935, G replaced by A.
Protein change: p.Ser312Asn; replaces serine 312 with asparagine.
Molecular consequence: missense variant. On other transcripts: non-coding transcript variant (1).
Genome position (GRCh38, 1-based): chr10:68,450,032, C>T on the plus strand (G>A on the coding strand, the complement: DNA2 is on the minus strand). VCF-style: chr10-68450032-C-T. GRCh37 (hg19) VCF-style: chr10-70209789-C-T.
Other names: short protein forms S312N.
Identifiers: ClinVar variation 3383415 (VCV003383415.2).